The following is an entry in ClinVar:

NM_198334.3(GANAB):c.499_500del (p.Leu167fs)

Gene: GANAB (glucosidase II alpha subunit; minus strand). Cytogenetic location: 11q12.3.
Variant type: Deletion.
Coding change: c.499_500del on transcript NM_198334.3 (MANE Select); coding-DNA positions 499 to 500, 2 bases deleted (TT; older notation c.499_500delTT).
Protein change: p.Leu167fs; shifts the reading frame from leucine 167.
Molecular consequence: frameshift variant. On other transcripts: 5 prime UTR variant (2).
Genome position (GRCh38, 1-based): chr11:62,634,881-62,634,882, AA deleted on the plus strand (TT on the coding strand, the reverse complement: GANAB is on the minus strand); deleting any 2 consecutive bases within chr11:62,634,881-62,634,884 gives the same sequence; the c. name uses the placement nearest the transcript's 3' end. VCF-style (leftmost placement, unchanged base first): chr11-62634880-CAA-C. GRCh37 (hg19) VCF-style: chr11-62402352-CAA-C.
Other names: c.157_158del, p.Leu53fs (NM_001278192.2, NM_001278193.2); c.208_209del, p.Leu70fs (NM_001278194.2, NM_001329222.2, NM_001329223.2); c.-278_-277del (NM_001329224.2, NM_001329225.2); c.499_500del, p.Leu167fs (NM_198335.4); short protein forms L167fs, L70fs, L53fs.
Identifiers: ClinVar variation 2050292 (VCV002050292.4), dbSNP rs2496375170, ClinGen allele CA2580084375.

ClinVar aggregate classification (germline): Pathogenic (1 of 4 stars; one submission).

Submission:

Labcorp Genetics (formerly Invitae), Labcorp
Classification: Pathogenic. Last evaluated: 2021-12-20. Review status: criteria provided, single submitter. Criteria: Invitae Variant Classification Sherloc (09022015). Collection method: clinical testing. Allele origin: germline.
Comment: This sequence change creates a premature translational stop signal (p.Leu167Alafs*2) in the GANAB gene. It is expected to result in an absent or disrupted protein product. Loss-of-function variants in GANAB are known to be pathogenic (PMID: 27259053). For these reasons, this variant has been classified as Pathogenic. This variant has not been reported in the literature in individuals affected with GANAB-related conditions. This variant is not present in population databases (gnomAD no frequency).

Literature cited by the submitters: PubMed 27259053.